The following is an entry in ClinVar:

ClinVar aggregate classification (germline): Pathogenic (1 of 4 stars; one submission).

Allele frequency attached by ClinVar (database versions not stated): TOPMed below 0.00001; ExAC 0.00002.

Submission:

Labcorp Genetics (formerly Invitae), Labcorp
Classification: Pathogenic. Last evaluated: 2024-04-20. Review status: criteria provided, single submitter. Criteria: Invitae Variant Classification Sherloc (09022015). Collection method: clinical testing. Allele origin: germline.
Comment: This sequence change creates a premature translational stop signal (p.Gly179Alafs*63) in the KIAA1161 gene. While this is not anticipated to result in nonsense mediated decay, it is expected to disrupt the last 536 amino acid(s) of the KIAA1161 protein. This variant is present in population databases (rs759874504, gnomAD no frequency). This premature translational stop signal has been observed in individual(s) with basal ganglia calcification syndrome (PMID: 32896900). This variant disrupts a region of the KIAA1161 protein in which other variant(s) (c.1967T>C (p.Ile656Thr)) have been determined to be pathogenic (PMID: 30649222, 31009047, 31951047, 32211515). This suggests that this is a clinically significant region of the protein, and that variants that disrupt it are likely to be disease-causing. For these reasons, this variant has been classified as Pathogenic.

Literature cited by the submitters: PubMed 32896900; PubMed 30649222; PubMed 31009047; PubMed 31951047; PubMed 32211515.

NM_020702.5(MYORG):c.535_536insC (p.Gly179fs)

Gene: MYORG (myogenesis regulating glycosidase; minus strand). Cytogenetic location: 9p13.3.
Variant type: Insertion.
Coding change: c.535_536insC on transcript NM_020702.5 (MANE Select); coding-DNA positions 535 to 536, C inserted.
Protein change: p.Gly179fs; shifts the reading frame from glycine 179.
Molecular consequence: frameshift variant.
Genome position: GRCh38 VCF-style: chr9-34372408-C-CG. GRCh37 (hg19) VCF-style: chr9-34372406-C-CG.
Other names: short protein forms G179fs.
Identifiers: ClinVar variation 2963574 (VCV002963574.3), dbSNP rs759874504, ClinGen allele CA5033124.